The following is an entry in ClinVar:

ClinVar aggregate classification (germline): Pathogenic/Likely pathogenic. Review status: criteria provided, multiple submitters, no conflicts (2 of 4 stars). 3 submissions from 3 submitters: Pathogenic (1); Likely pathogenic (2). Last evaluated 2026-01-16.

Conditions:
Glutaric aciduria, type 1. Also called: Glutaryl-CoA dehydrogenase deficiency; Glutaric acidemia type I; Glutaricacidemia Type 1; GA I; Glutaric Acidemia Type 1; Glutaricaciduria, type I. Identifiers: Orphanet 25, MedGen C0268595, MONDO:0009281, OMIM 231670.

Allele frequency attached by ClinVar (database versions not stated): gnomAD exomes below 0.00001.

Submissions (3):

3billion
Classification: Likely pathogenic for Glutaric aciduria, type 1. Last evaluated: 2026-01-16. Review status: criteria provided, single submitter. Criteria: ACMG Guidelines, 2015. Collection method: clinical testing. Allele origin: germline. Affected: yes.
Comment: The variant is observed at an extremely low frequency in the gnomAD v4.1.0 dataset (total allele frequency: <0.001%). Predicted Consequence/Location: Missense variant In silico tool predictions suggest damaging effect of the variant on gene or gene product [REVEL: 0.96 (>=0.6, sensitivity 0.68 and specificity 0.92)]. The same nucleotide change resulting in the same amino acid change has been previously reported to be associated with GCDH-related disorder (ClinVar ID: VCV001070458 /PMID: 31788423).The variant has been reported to be in trans with a pathogenic variant as either compound heterozygous or homozygous in at least 2 similarly affected unrelated individuals (PMID: 31788423). Therefore, this variant is classified as Likely pathogenic according to the recommendation of ACMG/AMP guideline.

Natera, Inc.
Classification: Likely pathogenic for Glutaric acidemia type 1. Last evaluated: 2025-08-29. Review status: criteria provided, single submitter. Criteria: Natera Variant Classification Schema (03/2026). Collection method: clinical testing. Allele origin: germline.
Comment: The c.389T>C variant in GCDH is a missense variant predicted to cause substitution of leucine to proline at amino acid 130. This variant is rare in the general population with a frequency below the threshold expected for the associated phenotype(s). This variant has been observed in one or more individuals affected with the associated recessive disease, as either homozygous or compound heterozygous with a second variant (PMID: 31788423). Computational prediction algorithms indicate this variant is likely to affect gene or protein function. Given the available evidence, this variant is classified as Likely Pathogenic.

Labcorp Genetics (formerly Invitae), Labcorp
Classification: Pathogenic for Glutaric aciduria, type 1. Last evaluated: 2022-06-17. Review status: criteria provided, single submitter. Criteria: Invitae Variant Classification Sherloc (09022015). Collection method: clinical testing. Allele origin: germline.
Comment: For these reasons, this variant has been classified as Pathogenic. Advanced modeling of protein sequence and biophysical properties (such as structural, functional, and spatial information, amino acid conservation, physicochemical variation, residue mobility, and thermodynamic stability) performed at Invitae indicates that this missense variant is expected to disrupt GCDH protein function. ClinVar contains an entry for this variant (Variation ID: 1070458). This missense change has been observed in individual(s) with glutaric acidemia type I (PMID: 31788423). This variant is present in population databases (no rsID available, gnomAD 0.003%). This sequence change replaces leucine, which is neutral and non-polar, with proline, which is neutral and non-polar, at codon 130 of the GCDH protein (p.Leu130Pro).

Literature cited by the submitters: PubMed 31788423 (cited by 3 submitters).

NM_000159.4(GCDH):c.389T>C (p.Leu130Pro)

Gene: GCDH (glutaryl-CoA dehydrogenase; plus strand). Cytogenetic location: 19p13.13.
Variant type: single nucleotide variant.
Coding change: c.389T>C on transcript NM_000159.4 (MANE Select); coding-DNA position 389, T replaced by C.
Protein change: p.Leu130Pro; replaces leucine 130 with proline.
Molecular consequence: missense variant. On other transcripts: non-coding transcript variant (2).
Genome position (GRCh38, 1-based): chr19:12,893,537, T>C. VCF-style: chr19-12893537-T-C. GRCh37 (hg19) VCF-style: chr19-13004351-T-C.
Other names: c.389T>C (NM_000159.3); c.389T>C, p.Leu130Pro (NM_013976.5); short protein forms L130P.
Identifiers: ClinVar variation 1070458 (VCV001070458.11), dbSNP rs1254101861, ClinGen allele CA404317438.